The following is an entry in ClinVar:

ClinVar aggregate classification (germline): Uncertain significance (1 of 4 stars; one submission).

Submission:

Labcorp Genetics (formerly Invitae), Labcorp
Classification: Uncertain significance. Last evaluated: 2021-10-17. Review status: criteria provided, single submitter. Criteria: Invitae Variant Classification Sherloc (09022015). Collection method: clinical testing. Allele origin: germline.
Comment: This variant results in a copy number gain of the genomic region encompassing the full coding sequence of the WHRN gene. The boundaries of this event are unknown as they extend beyond the assayed region for this gene and therefore may encompass additional genes. As the precise location of this event is unknown, it may be in tandem or it may be located elsewhere in the genome. This variant has not been reported in the literature in individuals with WHRN-related conditions. In summary, the available evidence is currently insufficient to determine the role of this variant in disease. Therefore, it has been classified as a Variant of Uncertain Significance.

NC_000009.11:g.(?_116956664)_(117267081_?)dup

Genes: ORM1 (orosomucoid 1; plus strand), AKNA (AT-hook transcription factor; minus strand), COL27A1 (collagen type XXVII alpha 1 chain; plus strand), ORM2 (orosomucoid 2; plus strand), WHRN (whirlin; minus strand). Cytogenetic location: 9q32.
Variant type: Duplication.
Identifiers: ClinVar variation 1036447 (VCV001036447.2).